The following is an entry in ClinVar:

ClinVar aggregate classification (germline): Uncertain significance. Review status: criteria provided, multiple submitters, no conflicts (2 of 4 stars). 3 submissions from 3 submitters: Uncertain significance (3). Last evaluated 2024-05-02.

Conditions:
Renal tubular dysgenesis of genetic origin. Also called: PRIMITIVE RENAL TUBULE SYNDROME. Identifiers: Orphanet 97369, MedGen C5681536, MONDO:0009970, OMIM 267430.
Familial juvenile hyperuricemic nephropathy type 2 (ADTKD4). Also called: Autosomal Dominant Tubulointerstitial Kidney Disease – REN; EARLY-ONSET HYPERURICEMIA, ANEMIA, AND PROGRESSIVE KIDNEY FAILURE. Identifiers: Orphanet 217330, MedGen C2751310, MONDO:0013128, OMIM 613092.
Inborn genetic diseases. Identifiers: MedGen C0950123, MeSH D030342.

Allele frequency attached by ClinVar (database versions not stated): gnomAD exomes 0.00001; ExAC 0.00002; ESP Exome Variant Server 0.00008.
gnomAD v4.1: 15 of 1,607,252 alleles (0.00093%); highest among the groups gnomAD compares: South Asian, 0.0022%; no homozygotes.

Submissions (3):

Fulgent Genetics
Classification: Uncertain significance for Renal tubular dysgenesis of genetic origin; Familial juvenile hyperuricemic nephropathy type 2. Last evaluated: 2024-05-02. Review status: criteria provided, single submitter. Criteria: ACMG Guidelines, 2015. Collection method: clinical testing. Allele origin: germline.

Ambry Genetics
Classification: Uncertain significance for Inborn genetic diseases. Last evaluated: 2022-06-28. Review status: criteria provided, single submitter. Criteria: Ambry Variant Classification Scheme 2023. Collection method: clinical testing. Allele origin: germline.

Labcorp Genetics (formerly Invitae), Labcorp
Classification: Uncertain significance. Last evaluated: 2021-12-23. Review status: criteria provided, single submitter. Criteria: Invitae Variant Classification Sherloc (09022015). Collection method: clinical testing. Allele origin: germline.
Comment: In summary, the available evidence is currently insufficient to determine the role of this variant in disease. Therefore, it has been classified as a Variant of Uncertain Significance. Algorithms developed to predict the effect of missense changes on protein structure and function are either unavailable or do not agree on the potential impact of this missense change (SIFT: "Tolerated"; PolyPhen-2: "Possibly Damaging"; Align-GVGD: "Class C0"). This variant has not been reported in the literature in individuals affected with REN-related conditions. This variant is present in population databases (rs151265393, gnomAD 0.003%). This sequence change replaces arginine, which is basic and polar, with cysteine, which is neutral and slightly polar, at codon 119 of the REN protein (p.Arg119Cys).

NM_000537.4(REN):c.355C>T (p.Arg119Cys)

Gene: REN (renin; minus strand). Cytogenetic location: 1q32.1.
Variant type: single nucleotide variant.
Coding change: c.355C>T on transcript NM_000537.4 (MANE Select); coding-DNA position 355, C replaced by T.
Protein change: p.Arg119Cys; replaces arginine 119 with cysteine.
Molecular consequence: missense variant.
Genome position (GRCh38, 1-based): chr1:204,161,310, G>A on the plus strand (C>T on the coding strand, the complement: REN is on the minus strand). VCF-style: chr1-204161310-G-A. GRCh37 (hg19) VCF-style: chr1-204130438-G-A.
Other names: short protein forms R119C.
Identifiers: ClinVar variation 1981484 (VCV001981484.4), dbSNP rs151265393, ClinGen allele CA1344976.